The following is an entry in ClinVar:

NM_003901.4(SGPL1):c.616-1G>A

Gene: SGPL1 (sphingosine-1-phosphate lyase 1; plus strand). Cytogenetic location: 10q22.1.
Variant type: single nucleotide variant.
Coding change: c.616-1G>A on transcript NM_003901.4 (MANE Select); the canonical splice acceptor site of the intron before coding-DNA position 616, G replaced by A.
Molecular consequence: splice acceptor variant.
Genome position (GRCh38, 1-based): chr10:70,868,344, G>A. VCF-style: chr10-70868344-G-A. GRCh37 (hg19) VCF-style: chr10-72628101-G-A.
Identifiers: ClinVar variation 3661600 (VCV003661600.2).

ClinVar aggregate classification (germline): Likely pathogenic (1 of 4 stars; one submission).

Submission:

Labcorp Genetics (formerly Invitae), Labcorp
Classification: Likely pathogenic. Last evaluated: 2024-08-06. Review status: criteria provided, single submitter. Criteria: Invitae Variant Classification Sherloc (09022015). Collection method: clinical testing. Allele origin: germline.
Comment: This sequence change affects an acceptor splice site in intron 7 of the SGPL1 gene. It is expected to disrupt RNA splicing. Variants that disrupt the donor or acceptor splice site typically lead to a loss of protein function (PMID: 16199547), and loss-of-function variants in SGPL1 are known to be pathogenic (PMID: 28165339, 28165343). This variant is not present in population databases (gnomAD no frequency). This variant has not been reported in the literature in individuals affected with SGPL1-related conditions. Algorithms developed to predict the effect of sequence changes on RNA splicing suggest that this variant may disrupt the consensus splice site. In summary, the currently available evidence indicates that the variant is pathogenic, but additional data are needed to prove that conclusively. Therefore, this variant has been classified as Likely Pathogenic.

Literature cited by the submitters: PubMed 16199547; PubMed 28165339; PubMed 28165343.